The following is an entry in ClinVar:

ClinVar aggregate classification (germline): Pathogenic (0 of 4 stars; one submission).

Conditions:
Pseudohypoaldosteronism type 2A (PHA2A). Also called: GORDON HYPERKALEMIA-HYPERTENSION SYNDROME; HYPERTENSIVE HYPERKALEMIA, FAMILIAL. Identifiers: Orphanet 757, Orphanet 88938, MedGen C1840389, MONDO:0007772, OMIM 145260.

Submission:

Richard Lifton Laboratory, Yale University School of Medicine
Classification: Pathogenic for Pseudohypoaldosteronism, type 2. Review status: no assertion criteria provided. Collection method: not provided. Allele origin: germline.
Comment: dominant;intron 9 splice donor
ClinVar note: Converted during submission from pathogenic to Pathogenic.

NM_003590.5(CUL3):c.1377+1G>C

Gene: CUL3 (cullin 3; minus strand). Cytogenetic location: 2q36.2.
Variant type: single nucleotide variant.
Coding change: c.1377+1G>C on transcript NM_003590.5 (MANE Select); the canonical splice donor site of the intron after coding-DNA position 1377, G replaced by C.
Molecular consequence: splice donor variant.
Genome position (GRCh38, 1-based): chr2:224,503,651, C>G on the plus strand (G>C on the coding strand, the complement: CUL3 is on the minus strand). VCF-style: chr2-224503651-C-G. GRCh37 (hg19) VCF-style: chr2-225368368-C-G.
Other names: EX9_g(+1)c; c.1179+1G>C (NM_001257197.2); c.1395+1G>C (NM_001257198.2).
Identifiers: ClinVar variation 100525 (VCV000100525.3), dbSNP rs199469660, ClinGen allele CA269965.